The following is an entry in ClinVar:

ClinVar aggregate classification (germline): Uncertain significance (1 of 4 stars; one submission).

Conditions:
Gastrointestinal stromal tumor. Also called: Gastrointestinal stromal tumor, somatic; Gastrointestinal stroma tumor. Identifiers: Orphanet 44890, MedGen C0238198, MeSH D046152, MONDO:0011719, OMIM 606764, HP:0100723.

Submission:

Labcorp Genetics (formerly Invitae), Labcorp
Classification: Uncertain significance for Gastrointestinal stromal tumor. Last evaluated: 2021-07-22. Review status: criteria provided, single submitter. Criteria: Invitae Variant Classification Sherloc (09022015). Collection method: clinical testing. Allele origin: germline.
Comment: In summary, the available evidence is currently insufficient to determine the role of this variant in disease. Therefore, it has been classified as a Variant of Uncertain Significance. Algorithms developed to predict the effect of missense changes on protein structure and function output the following: SIFT: "Tolerated"; PolyPhen-2: "Benign"; Align-GVGD: "Class C0". The proline amino acid residue is found in multiple mammalian species, which suggests that this missense change does not adversely affect protein function. This variant has not been reported in the literature in individuals affected with PDGFRA-related conditions. This variant is not present in population databases (ExAC no frequency). This sequence change replaces glutamine with proline at codon 323 of the PDGFRA protein (p.Gln323Pro). The glutamine residue is weakly conserved and there is a moderate physicochemical difference between glutamine and proline.

NM_006206.6(PDGFRA):c.968A>C (p.Gln323Pro)

Gene: PDGFRA (platelet derived growth factor receptor alpha; plus strand). Cytogenetic location: 4q12.
Variant type: single nucleotide variant.
Coding change: c.968A>C on transcript NM_006206.6 (MANE Select); coding-DNA position 968, A replaced by C.
Protein change: p.Gln323Pro; replaces glutamine 323 with proline.
Molecular consequence: missense variant.
Genome position (GRCh38, 1-based): chr4:54,267,588, A>C. VCF-style: chr4-54267588-A-C. GRCh37 (hg19) VCF-style: chr4-55133755-A-C.
Other names: c.968A>C, p.Gln323Pro (NM_001347827.2, NM_001347829.2); c.1043A>C, p.Gln348Pro (NM_001347828.2); c.1007A>C, p.Gln336Pro (NM_001347830.2); short protein forms Q323P, Q348P, Q336P.
Identifiers: ClinVar variation 1521060 (VCV001521060.8), dbSNP rs2110266557, ClinGen allele CA356891513.
Genomic context (GRCh38, chr4:54,267,588, plus strand): 5'-TAATGGAAACTCTTCCCTGTACAGAGAAAGGTTTCATTGAAATCAAACCCACCTTCAGCC[A>C]GTTGGAAGCTGTCAACCTGCATGAAGTCAAACATTTTGTTGTAGAGGTGCGGGCCTACCC-3'
Protein context (NP_006197.1, residues 313-333): GFIEIKPTFS[Gln323Pro]LEAVNLHEVK